The following is an entry in ClinVar:

NM_001164277.2(SLC37A4):c.452T>C (p.Leu151Pro)

Gene: SLC37A4 (solute carrier family 37 member 4; minus strand). Cytogenetic location: 11q23.3.
Variant type: single nucleotide variant.
Coding change: c.452T>C on transcript NM_001164277.2 (MANE Select); coding-DNA position 452, T replaced by C.
Protein change: p.Leu151Pro; replaces leucine 151 with proline.
Molecular consequence: missense variant.
Genome position (GRCh38, 1-based): chr11:119,027,802, A>G on the plus strand (T>C on the coding strand, the complement: SLC37A4 is on the minus strand). VCF-style: chr11-119027802-A-G. GRCh37 (hg19) VCF-style: chr11-118898512-A-G.
Other names: c.452T>C (NM_001467.5); c.452T>C, p.Leu151Pro (NM_001164278.2, NM_001164280.2, NM_001467.6); c.233T>C, p.Leu78Pro (NM_001164279.2); short protein forms L151P, L78P.
Identifiers: ClinVar variation 551890 (VCV000551890.5), dbSNP rs1555191353, ClinGen allele CA382903424.

ClinVar aggregate classification (germline): Uncertain significance. Review status: criteria provided, multiple submitters, no conflicts (2 of 4 stars). 3 submissions from 3 submitters: Uncertain significance (2). 1 of the submissions does not count toward it. Last evaluated 2025-06-17.

Conditions:
Inborn genetic diseases. Identifiers: MedGen C0950123, MeSH D030342.
Glucose-6-phosphate transport defect (GSD1B). Also called: Glycogen Storage Disease Type Ib; GSD Ib. Identifiers: Orphanet 364, Orphanet 79259, MedGen C0268146, MONDO:0009288, OMIM 232220.

Allele frequency attached by ClinVar (database versions not stated): gnomAD exomes below 0.00001.

Submissions (3):

Labcorp Genetics (formerly Invitae), Labcorp
Classification: Uncertain significance for Glucose-6-phosphate transport defect. Last evaluated: 2025-06-17. Review status: criteria provided, single submitter. Criteria: Invitae Variant Classification Sherloc (09022015). Collection method: clinical testing. Allele origin: germline.
Comment: This sequence change replaces leucine, which is neutral and non-polar, with proline, which is neutral and non-polar, at codon 151 of the SLC37A4 protein (p.Leu151Pro). This variant is not present in population databases (gnomAD no frequency). This variant has not been reported in the literature in individuals affected with SLC37A4-related conditions. ClinVar contains an entry for this variant (Variation ID: 551890). Invitae Evidence Modeling of protein sequence and biophysical properties (such as structural, functional, and spatial information, amino acid conservation, physicochemical variation, residue mobility, and thermodynamic stability) indicates that this missense variant is expected to disrupt SLC37A4 protein function with a positive predictive value of 80%. In summary, the available evidence is currently insufficient to determine the role of this variant in disease. Therefore, it has been classified as a Variant of Uncertain Significance.

Ambry Genetics
Classification: Uncertain significance for Inborn genetic diseases. Last evaluated: 2023-04-18. Review status: criteria provided, single submitter. Criteria: Ambry Variant Classification Scheme 2023. Collection method: clinical testing. Allele origin: germline.
Comment: The p.L151P variant (also known as c.452T>C), located in coding exon 3 of the SLC37A4 gene, results from a T to C substitution at nucleotide position 452. The leucine at codon 151 is replaced by proline, an amino acid with similar properties. This amino acid position is conserved. In addition, this alteration is predicted to be deleterious by in silico analysis. Since supporting evidence is limited at this time, the clinical significance of this alteration remains unclear.

Counsyl
Classification: Uncertain significance for Glucose-6-phosphate transport defect. Last evaluated: 2017-05-15. Review status: no assertion criteria provided. Collection method: clinical testing. Allele origin: unknown. Not counted in ClinVar's aggregate classification.